The following is an entry in ClinVar:

ClinVar aggregate classification (germline): Uncertain significance (1 of 4 stars; one submission).

Conditions:
Polyglucosan body myopathy type 1 (PGBM1). Also called: Polyglucosan body myopathy 1 with or without immunodeficiency; POLYGLUCOSAN BODY MYOPATHY WITHOUT IMMUNODEFICIENCY. Identifiers: Orphanet 329173, Orphanet 397937, MedGen C4014605, MONDO:0014389, OMIM 615895.

gnomAD v4.1: 4 of 1,613,994 alleles (0.00025%); highest among the groups gnomAD compares: Non-Finnish European, 0.00017%; no homozygotes.

Submission:

Labcorp Genetics (formerly Invitae), Labcorp
Classification: Uncertain significance for Polyglucosan body myopathy type 1. Last evaluated: 2022-08-22. Review status: criteria provided, single submitter. Criteria: Invitae Variant Classification Sherloc (09022015). Collection method: clinical testing. Allele origin: germline.
Comment: This sequence change replaces arginine, which is basic and polar, with proline, which is neutral and non-polar, at codon 76 of the RBCK1 protein (p.Arg76Pro). This variant is not present in population databases (gnomAD no frequency). This variant has not been reported in the literature in individuals affected with RBCK1-related conditions. ClinVar contains an entry for this variant (Variation ID: 1520020). Algorithms developed to predict the effect of missense changes on protein structure and function are either unavailable or do not agree on the potential impact of this missense change (SIFT: "Not Available"; PolyPhen-2: "Benign"; Align-GVGD: "Not Available"). In summary, the available evidence is currently insufficient to determine the role of this variant in disease. Therefore, it has been classified as a Variant of Uncertain Significance.

NM_031229.4(RBCK1):c.227G>C (p.Arg76Pro)

Gene: RBCK1 (RANBP2-type and C3HC4-type zinc finger containing 1; plus strand). Cytogenetic location: 20p13.
Variant type: single nucleotide variant.
Coding change: c.227G>C on transcript NM_031229.4 (MANE Select); coding-DNA position 227, G replaced by C.
Protein change: p.Arg76Pro; replaces arginine 76 with proline.
Molecular consequence: missense variant. On other transcripts: 5 prime UTR variant (2), non-coding transcript variant (1).
Genome position (GRCh38, 1-based): chr20:417,585, G>C. VCF-style: chr20-417585-G-C. GRCh37 (hg19) VCF-style: chr20-398229-G-C.
Other names: c.-123G>C (NM_001323956.2, NM_001323958.2); c.101G>C, p.Arg34Pro (NM_006462.6); short protein forms R34P, R76P.
Identifiers: ClinVar variation 1520020 (VCV001520020.5), dbSNP rs772407882, ClinGen allele CA407949920.